The following is an entry in ClinVar:

ClinVar aggregate classification (germline): Uncertain significance (1 of 4 stars; one submission).

Conditions:
Neuropathy, hereditary sensory, type 2C. Also called: KIF1A-Related HSAN2 (HSAN2C); Hereditary sensory and autonomic neuropathy type IIC. Identifiers: Orphanet 970, MedGen C3280168, MONDO:0013634, OMIM 614213.
Hereditary spastic paraplegia 30. Identifiers: Orphanet 101010, MedGen C5235139, MONDO:0012476.
Intellectual disability, autosomal dominant 9 (NESCAVS). Also called: NESCAV SYNDROME; KIF1A-Related Neurodevelopmental Disorder. Identifiers: Orphanet 662367, MedGen C5393830, MONDO:0013656, OMIM 614255.

Submission:

Labcorp Genetics (formerly Invitae), Labcorp
Classification: Uncertain significance for Hereditary spastic paraplegia 30; Neuropathy, hereditary sensory, type 2C; Intellectual disability, autosomal dominant 9. Last evaluated: 2023-05-17. Review status: criteria provided, single submitter. Criteria: Invitae Variant Classification Sherloc (09022015). Collection method: clinical testing. Allele origin: germline.
Comment: This variant is not present in population databases (gnomAD no frequency). This variant has not been reported in the literature in individuals affected with KIF1A-related conditions. This sequence change replaces arginine, which is basic and polar, with proline, which is neutral and non-polar, at codon 1529 of the KIF1A protein (p.Arg1529Pro). Advanced modeling of protein sequence and biophysical properties (such as structural, functional, and spatial information, amino acid conservation, physicochemical variation, residue mobility, and thermodynamic stability) performed at Invitae indicates that this missense variant is not expected to disrupt KIF1A protein function. In summary, the available evidence is currently insufficient to determine the role of this variant in disease. Therefore, it has been classified as a Variant of Uncertain Significance.

NM_001244008.2(KIF1A):c.4889G>C (p.Arg1630Pro)

Gene: KIF1A (kinesin family member 1A; minus strand). Cytogenetic location: 2q37.3.
Variant type: single nucleotide variant.
Coding change: c.4889G>C on transcript NM_001244008.2 (MANE Select); coding-DNA position 4889, G replaced by C.
Protein change: p.Arg1630Pro; replaces arginine 1630 with proline.
Molecular consequence: missense variant.
Genome position (GRCh38, 1-based): chr2:240,719,906, C>G on the plus strand (G>C on the coding strand, the complement: KIF1A is on the minus strand). VCF-style: chr2-240719906-C-G. GRCh37 (hg19) VCF-style: chr2-241659323-C-G.
Other names: c.4613G>C, p.Arg1538Pro (NM_001320705.2, NM_001379649.1); c.4640G>C, p.Arg1547Pro (NM_001330289.2); c.4688G>C, p.Arg1563Pro (NM_001330290.2, NM_001379648.1); c.4964G>C, p.Arg1655Pro (NM_001379631.1); c.4865G>C, p.Arg1622Pro (NM_001379632.1); c.4862G>C, p.Arg1621Pro (NM_001379633.1, NM_001379645.1); c.4715G>C, p.Arg1572Pro (NM_001379634.1); c.4712G>C, p.Arg1571Pro (NM_001379635.1, NM_001379646.1); and 7 more; short protein forms R1528P, R1547P, R1571P, R1572P, R1621P, R1529P, R1538P, R1567P.
Identifiers: ClinVar variation 2935980 (VCV002935980.3), dbSNP rs191428830, ClinGen allele CA351300970.